The following is an entry in ClinVar:

NM_007194.4(CHEK2):c.544C>A (p.Pro182Thr)

Gene: CHEK2 (checkpoint kinase 2; minus strand). Cytogenetic location: 22q12.1.
Variant type: single nucleotide variant.
Coding change: c.544C>A on transcript NM_007194.4 (MANE Select); coding-DNA position 544, C replaced by A.
Protein change: p.Pro182Thr; replaces proline 182 with threonine.
Molecular consequence: missense variant. On other transcripts: 5 prime UTR variant (2), intron variant (1).
Genome position (GRCh38, 1-based): chr22:28,725,025, G>T on the plus strand (C>A on the coding strand, the complement: CHEK2 is on the minus strand). VCF-style: chr22-28725025-G-T. GRCh37 (hg19) VCF-style: chr22-29121013-G-T.
Other names: c.-120C>A (NM_001437942.1); c.637C>A, p.Pro213Thr (NM_001438293.1, NM_001438295.1); c.673C>A, p.Pro225Thr (NM_001438294.1, NM_001005735.3); c.544C>A, p.Pro182Thr (NM_145862.3); c.445-102C>A (NM_001349956.3); c.-234C>A (NM_001257387.3); short protein forms P182T, P225T, P213T.
Identifiers: ClinVar variation 187752 (VCV000187752.35), dbSNP rs786203973, ClinGen allele CA198477.

ClinVar aggregate classification (germline): Uncertain significance. Review status: criteria provided, multiple submitters, no conflicts (2 of 4 stars). 14 submissions from 14 submitters: Uncertain significance (12). 2 of the submissions do not count toward it. Last evaluated 2026-01-24.

Conditions:
Hereditary cancer-predisposing syndrome. Also called: Tumor predisposition; Neoplastic Syndromes, Hereditary; Hereditary neoplastic syndrome; Hereditary Cancer Syndrome. Identifiers: Orphanet 140162, MedGen C0027672, MeSH D009386, MONDO:0015356.
CHEK2-related cancer predisposition (TPDS4). Also called: TUMOR PREDISPOSITION SYNDROME 4; CANCER PREDISPOSITION SYNDROME, CHEK2-RELATED; CHEK2-related cancer susceptibility. Identifiers: Orphanet 524, MedGen C5882668, MONDO:0700271, OMIM 609265.
Familial cancer of breast. Also called: BREAST CANCER, FAMILIAL; hereditary breast carcinoma; Hereditary breast cancer. Identifiers: Orphanet 227535, MedGen C0346153, MONDO:0016419, OMIM 114480. Disease mechanism: loss of function.

Allele frequency attached by ClinVar (database versions not stated): gnomAD below 0.00001 and 0.00001; gnomAD exomes below 0.00001 and 0.00001; TOPMed below 0.00001.
gnomAD v4.1: 14 of 1,613,746 alleles (0.00087%); highest among the groups gnomAD compares: Middle Eastern, 0.016%; no homozygotes.

Submissions (14):

Labcorp Genetics (formerly Invitae), Labcorp
Classification: Uncertain significance for Familial cancer of breast. Last evaluated: 2026-01-24. Review status: criteria provided, single submitter. Criteria: Invitae Variant Classification Sherloc (09022015). Collection method: clinical testing. Allele origin: germline.
Comment: This sequence change replaces proline, which is neutral and non-polar, with threonine, which is neutral and polar, at codon 182 of the CHEK2 protein (p.Pro182Thr). This variant is present in population databases (rs786203973, gnomAD 0.01%). This missense change has been observed in individual(s) with osteosarcoma (PMID: 28371217). This variant is also known as c.673C>A (p.Pro225Thr). ClinVar contains an entry for this variant (Variation ID: 187752). An algorithm developed to predict the effect of missense changes on protein structure and function (PolyPhen-2) suggests that this variant is likely to be disruptive. Experimental studies have shown that this missense change does not substantially affect CHEK2 function (PMID: 30851065). In summary, the available evidence is currently insufficient to determine the role of this variant in disease. Therefore, it has been classified as a Variant of Uncertain Significance.

Women's Health and Genetics/Laboratory Corporation of America, LabCorp
Classification: Uncertain significance. Last evaluated: 2025-09-08. Review status: criteria provided, single submitter. Criteria: LabCorp Variant Classification Summary - May 2015. Collection method: clinical testing. Allele origin: germline.
Comment: Variant summary: CHEK2 c.544C>A (p.Pro182Thr) results in a non-conservative amino acid change located in the Forkhead-associated (FHA) domain (IPR000253) of the encoded protein sequence. Algorithms developed to predict the effect of missense changes on protein structure and function all suggest that this variant is likely to be disruptive. The variant allele was found at a frequency of 4e-06 in 251408 control chromosomes. The available data on variant occurrences in the general population are insufficient to allow any conclusion about variant significance. c.544C>A has been reported in the literature in one individuals affected with breast cancer (Ronowicz_2015) and one individual affected with ATR-X syndrome and osteosarcoma (Ji_2017). These reports do not provide unequivocal conclusions about association of the variant with Hereditary Breast And Ovarian Cancer Syndrome. One co-occurrence with another pathogenic variant has been reported (BRCA2 c.9371A>T, p.Asn3124Ile; Ronowicz_2015), providing supporting evidence for a benign role. At least one in vivo study reports this variant was identified as benign by yeast function assay (Delimitsou_2019). The following publications have been ascertained in the context of this evaluation (PMID: 30851065, 28371217, 26219265). ClinVar contains an entry for this variant (Variation ID: 187752). Based on the evidence outlined above, the variant was classified as uncertain significance.

Ambry Genetics
Classification: Uncertain significance for Hereditary cancer-predisposing syndrome. Last evaluated: 2025-02-28. Review status: criteria provided, single submitter. Criteria: Ambry Variant Classification Scheme 2023. Collection method: clinical testing. Allele origin: germline.
Comment: The p.P182T variant (also known as c.544C>A), located in coding exon 3 of the CHEK2 gene, results from a C to A substitution at nucleotide position 544. The proline at codon 182 is replaced by threonine, an amino acid with highly similar properties. This alteration behaved as functional in an in vivo, yeast-based growth rate assay (Delimitsou A et al. Hum. Mutat., 2019 05;40:631-648). This amino acid position is highly conserved in available vertebrate species. In addition, the in silico prediction for this alteration is inconclusive. Since supporting evidence is limited at this time, the clinical significance of this alteration remains unclear.

KCCC/NGS Laboratory, Kuwait Cancer Control Center
Classification: Uncertain significance for CHEK2-related cancer predisposition. Last evaluated: 2024-12-16. Review status: criteria provided, single submitter. Criteria: ACMG Guidelines, 2015. Collection method: clinical testing. Allele origin: germline. Inheritance: Autosomal dominant inheritance. Affected: yes. Observed: 1 heterozygote.
Comment: This sequence change replaces proline, which is neutral and non-polar, with threonine, which is neutral and polar, at codon 182 of the CHEK2 protein (p.Pro182Thr). This variant is present in population databases (rs786203973, gnomAD 0.01%). This amino acid position is highly conserved . This variant is associated with the following publications: (PMID: 28873162, 30851065, 35402282, 22419737, 19782031, 35585550, 28371217, 26219265, 37449874). This variant is also known as c.673C>A (p.Pro225Thr). ClinVar contains an entry for this variant (Variation ID: 187752). n addition, the in silico prediction for this alteration is inconclusive. . In summary, the available evidence is currently insufficient to determine the role of this variant in disease. Therefore, it has been classified as a Variant of Uncertain Significance

Blueprint Genetics
Classification: Uncertain significance. Last evaluated: 2024-11-04. Review status: criteria provided, single submitter. Criteria: ACMG Guidelines, 2015. Collection method: clinical testing. Allele origin: germline.

Baylor Genetics
Classification: Uncertain significance for Familial cancer of breast. Last evaluated: 2024-03-22. Review status: criteria provided, single submitter. Criteria: ACMG Guidelines, 2015. Collection method: clinical testing. Allele origin: unknown.

GeneDx
Classification: Uncertain significance. Last evaluated: 2024-02-20. Review status: criteria provided, single submitter. Criteria: GeneDx Variant Classification Process June 2021. Collection method: clinical testing. Allele origin: germline. Affected: yes.
Comment: In silico analysis supports that this missense variant does not alter protein structure/function; Not observed at significant frequency in large population cohorts (gnomAD); This variant is associated with the following publications: (PMID: 28873162, 30851065, 35402282, 22419737, 19782031, 35585550, 28371217, 26219265, 37449874)

Myriad Genetics, Inc.
Classification: Uncertain significance for Familial cancer of breast. Last evaluated: 2023-03-08. Review status: criteria provided, single submitter. Criteria: Myriad Autosomal Dominant, Autosomal Recessive and X-Linked Classification Criteria (2023). Collection method: clinical testing. Allele origin: unknown.
Comment: This variant is classified as a variant of uncertain significance as there is insufficient evidence to determine its impact on protein function and/or cancer risk.

Color Diagnostics, LLC DBA Color Health
Classification: Uncertain significance for Hereditary cancer-predisposing syndrome. Last evaluated: 2022-12-23. Review status: criteria provided, single submitter. Criteria: ACMG Guidelines, 2015. Collection method: clinical testing. Allele origin: germline.
Comment: This missense variant replaces proline with threonine at codon 182 of the CHEK2 protein. Computational prediction suggests that this variant may not impact protein structure and function (internally defined REVEL score threshold <= 0.5, PMID: 27666373). A functional study has shown this variant to be neutral in a yeast-based DNA damage response assay (PMID: 30851065). This variant has been reported in individuals affected with breast cancer (PMID: 26219265) and in an individual with ATR-X syndrome and osteosarcoma who carried a pathogenic variant in the ATRX gene (PMID: 28371217). This variant has been identified in 1/251408 chromosomes in the general population by the Genome Aggregation Database (gnomAD). The available evidence is insufficient to determine the role of this variant in disease conclusively. Therefore, this variant is classified as a Variant of Uncertain Significance.

Department of Pathology and Laboratory Medicine, Sinai Health System
Classification: Uncertain significance for CHEK2-related cancer predisposition. Last evaluated: 2020-03-25. Review status: criteria provided, single submitter. Criteria: ACMG Guidelines, 2015. Collection method: clinical testing. Allele origin: germline. Affected: yes.

Quest Diagnostics Nichols Institute San Juan Capistrano
Classification: Uncertain significance. Last evaluated: 2018-07-16. Review status: criteria provided, single submitter. Criteria: Quest Diagnostics criteria. Collection method: clinical testing. Allele origin: germline.

Mendelics
Classification: Uncertain significance for Familial cancer of breast. Last evaluated: 2018-07-02. Review status: criteria provided, single submitter. Criteria: Mendelics Assertion Criteria 2017. Collection method: clinical testing. Allele origin: unknown.

Counsyl
Classification: Uncertain significance for Familial cancer of breast. Last evaluated: 2018-03-20. Review status: no assertion criteria provided. Collection method: clinical testing. Allele origin: unknown. Not counted in ClinVar's aggregate classification.

Faculty of Pharmacy, Medical University of Gdansk
Classification: Uncertain significance for Familial cancer of breast. Last evaluated: 2014-02-01. Review status: no assertion criteria provided. Criteria: ACMG Guidelines, 2015. Collection method: research. Allele origin: germline. Affected: yes. Not counted in ClinVar's aggregate classification.

Literature cited by the submitters: PubMed 28371217 (cited by 3 submitters); PubMed 30851065 (cited by 4 submitters); PubMed 26219265 (cited by Women's Health and Genetics/Laboratory Corporation of America, LabCorp and Color Diagnostics, LLC DBA Color Health).